The following is an entry in ClinVar:

NM_002693.3(POLG):c.907G>A (p.Gly303Arg)

Gene: POLG (DNA polymerase gamma, catalytic subunit; minus strand). Cytogenetic location: 15q26.1.
Variant type: single nucleotide variant.
Coding change: c.907G>A on transcript NM_002693.3 (MANE Select); coding-DNA position 907, G replaced by A.
Protein change: p.Gly303Arg; replaces glycine 303 with arginine.
Molecular consequence: missense variant.
Genome position (GRCh38, 1-based): chr15:89,329,059, C>T on the plus strand (G>A on the coding strand, the complement: POLG is on the minus strand). VCF-style: chr15-89329059-C-T. GRCh37 (hg19) VCF-style: chr15-89872290-C-T.
Other names: c.907G>A, p.Gly303Arg (NM_001126131.2); short protein forms G303R.
Identifiers: ClinVar variation 1425375 (VCV001425375.7), dbSNP rs749799663, ClinGen allele CA7725001.
Genomic context (GRCh38, chr15:89,329,059, plus strand): 5'-GGACCTTGTGTTTGCCCTGCTTGGCTGCTATCCACAGACTGCGCTGGAAGCTGCTTAGCC[C>T]TGAGATGGCCATGTGCATGCTCATGGTGTCCAGGAAACGCATGCGGGAACCCTGAGGAGG-3'
Protein context (NP_002684.1, residues 293-313): DTMSMHMAIS[Gly303Arg]LSSFQRSLWI

ClinVar aggregate classification (germline): Pathogenic/Likely pathogenic. Review status: criteria provided, multiple submitters, no conflicts (2 of 4 stars). 2 submissions from 2 submitters: Pathogenic (1); Likely pathogenic (1). Last evaluated 2025-09-18.

Conditions:
Progressive sclerosing poliodystrophy (MTDPS4A). Also called: ALPERS PROGRESSIVE INFANTILE POLIODYSTROPHY; Alpers Syndrome; ALPERS DIFFUSE DEGENERATION OF CEREBRAL GRAY MATTER WITH HEPATIC CIRRHOSIS; Alpers-Huttenlocher Syndrome; Mitochondrial DNA depletion syndrome 4A (Alpers type); NEURONAL DEGENERATION OF CHILDHOOD WITH LIVER DISEASE, PROGRESSIVE. Identifiers: Orphanet 726, MedGen C0205710, MONDO:0008758, OMIM 203700.
POLG-related disorder. Also called: POLG-Related Spectrum Disorders; POLG-related condition; POLG-Related Disorders. Identifiers: MedGen C4763519.

Allele frequency attached by ClinVar (database versions not stated): ExAC 0.00001; gnomAD exomes 0.00001; TOPMed 0.00002; gnomAD 0.00003.

Submissions (2):

Myriad Genetics, Inc.
Classification: Likely pathogenic for POLG-related disorder. Last evaluated: 2025-09-18. Review status: criteria provided, single submitter. Criteria: Myriad Autosomal Dominant, Autosomal Recessive and X-Linked Classification Criteria (2023). Collection method: clinical testing. Allele origin: unknown.
Comment: NM_002693.2(POLG):c.907G>A(G303R) is a missense variant classified as likely pathogenic in the context of POLG-related disorders. G303R has been observed in cases with relevant disease (PMID: 20400524, 22237560, 38845467). Relevant functional assessments of this variant are available in the literature (PMID: 20883824, 26095671). G303R has been observed in referenced population frequency databases. In summary, NM_002693.2(POLG):c.907G>A(G303R) is a missense variant that has been observed more frequently in cases with the relevant disease than in healthy populations. Please note: this variant was assessed in the context of healthy population screening.

Labcorp Genetics (formerly Invitae), Labcorp
Classification: Pathogenic for Progressive sclerosing poliodystrophy. Last evaluated: 2024-12-24. Review status: criteria provided, single submitter. Criteria: Invitae Variant Classification Sherloc (09022015). Collection method: clinical testing. Allele origin: germline.
Comment: This sequence change replaces glycine, which is neutral and non-polar, with arginine, which is basic and polar, at codon 303 of the POLG protein (p.Gly303Arg). This variant is present in population databases (rs749799663, gnomAD 0.01%). This missense change has been observed in individual(s) with Alpers-Huttenlocher syndrome (PMID: 20400524, 22237560). In at least one individual the data is consistent with being in trans (on the opposite chromosome) from a pathogenic variant. ClinVar contains an entry for this variant (Variation ID: 1425375). Invitae Evidence Modeling of protein sequence and biophysical properties (such as structural, functional, and spatial information, amino acid conservation, physicochemical variation, residue mobility, and thermodynamic stability) indicates that this missense variant is expected to disrupt POLG protein function with a positive predictive value of 95%. Experimental studies have shown that this missense change affects POLG function (PMID: 20883824, 26095671). For these reasons, this variant has been classified as Pathogenic.

Literature cited by the submitters: PubMed 20400524 (cited by Myriad Genetics, Inc. and Labcorp Genetics (formerly Invitae), Labcorp); PubMed 20883824 (cited by Myriad Genetics, Inc. and Labcorp Genetics (formerly Invitae), Labcorp); PubMed 22237560 (cited by Myriad Genetics, Inc. and Labcorp Genetics (formerly Invitae), Labcorp); PubMed 26095671 (cited by Myriad Genetics, Inc. and Labcorp Genetics (formerly Invitae), Labcorp); PubMed 38845467 (cited by Myriad Genetics, Inc.).